The following is an entry in ClinVar:

NM_182961.4(SYNE1):c.17956C>A (p.Leu5986Ile)

Gene: SYNE1 (spectrin repeat containing nuclear envelope protein 1; minus strand). Cytogenetic location: 6q25.2.
Variant type: single nucleotide variant.
Coding change: c.17956C>A on transcript NM_182961.4 (MANE Select); coding-DNA position 17956, C replaced by A.
Protein change: p.Leu5986Ile; replaces leucine 5986 with isoleucine.
Molecular consequence: missense variant.
Genome position (GRCh38, 1-based): chr6:152,293,644, G>T on the plus strand (C>A on the coding strand, the complement: SYNE1 is on the minus strand). VCF-style: chr6-152293644-G-T. GRCh37 (hg19) VCF-style: chr6-152614779-G-T.
Other names: c.17743C>A, p.Leu5915Ile (NM_033071.5); short protein forms L5915I, L5986I.
Identifiers: ClinVar variation 2097688 (VCV002097688.4), dbSNP rs1044162044, ClinGen allele CA150192839.

ClinVar aggregate classification (germline): Uncertain significance (1 of 4 stars; one submission).

Conditions:
Emery-Dreifuss muscular dystrophy 4, autosomal dominant (EDMD4). Also called: EMERY-DREIFUSS MUSCULAR DYSTROPHY 4 WITH VARIABLE FEATURES. Identifiers: Orphanet 261, MedGen C2751807, MONDO:0013071, OMIM 612998.
Autosomal recessive ataxia, Beauce type. Also called: SYNE1 Deficiency; Spinocerebellar ataxia, autosomal recessive 8; ATAXIA, RECESSIVE, OF BEAUCE; SYNE1-Related Autosomal Recessive Cerebellar Ataxia. Identifiers: Orphanet 88644, MedGen C1853116, MONDO:0012549, OMIM 610743.

Submission:

Labcorp Genetics (formerly Invitae), Labcorp
Classification: Uncertain significance for Emery-Dreifuss muscular dystrophy 4, autosomal dominant; Autosomal recessive ataxia, Beauce type. Last evaluated: 2024-10-24. Review status: criteria provided, single submitter. Criteria: Invitae Variant Classification Sherloc (09022015). Collection method: clinical testing. Allele origin: germline.
Comment: This sequence change replaces leucine, which is neutral and non-polar, with isoleucine, which is neutral and non-polar, at codon 5915 of the SYNE1 protein (p.Leu5915Ile). This variant is not present in population databases (gnomAD no frequency). This variant has not been reported in the literature in individuals affected with SYNE1-related conditions. ClinVar contains an entry for this variant (Variation ID: 2097688). An algorithm developed to predict the effect of missense changes on protein structure and function (PolyPhen-2) suggests that this variant is likely to be disruptive. In summary, the available evidence is currently insufficient to determine the role of this variant in disease. Therefore, it has been classified as a Variant of Uncertain Significance.